The following is an entry in ClinVar:

NM_014009.4(FOXP3):c.337G>A (p.Ala113Thr)

Gene: FOXP3 (forkhead box P3; minus strand). Cytogenetic location: Xp11.23.
Variant type: single nucleotide variant.
Coding change: c.337G>A on transcript NM_014009.4 (MANE Select); coding-DNA position 337, G replaced by A.
Protein change: p.Ala113Thr; replaces alanine 113 with threonine.
Molecular consequence: missense variant.
Genome position (GRCh38, 1-based): chrX:49,257,544, C>T on the plus strand (G>A on the coding strand, the complement: FOXP3 is on the minus strand). VCF-style: chrX-49257544-C-T. GRCh37 (hg19) VCF-style: chrX-49114001-C-T.
Other names: c.232G>A, p.Ala78Thr (NM_001114377.2); short protein forms A78T, A113T.
Identifiers: ClinVar variation 1517044 (VCV001517044.7), dbSNP rs1398753395, ClinGen allele CA412953178.

ClinVar aggregate classification (germline): Uncertain significance. Review status: criteria provided, multiple submitters, no conflicts (2 of 4 stars). 2 submissions from 2 submitters: Uncertain significance (2). Last evaluated 2021-12-15.

Conditions:
Insulin-dependent diabetes mellitus secretory diarrhea syndrome (IPEX). Also called: DIABETES MELLITUS, CONGENITAL INSULIN-DEPENDENT, WITH FATAL SECRETORY DIARRHEA; DIARRHEA, POLYENDOCRINOPATHY, FATAL INFECTION SYNDROME, X-LINKED; ENTEROPATHY, AUTOIMMUNE, WITH HEMOLYTIC ANEMIA AND POLYENDOCRINOPATHY; IPEX and IPEX-Like; Immunodeficiency, Polyendocrinopathy, and Enteropathy X-Linked Syndrome; X-Linked Syndrome of Polyendocrinopathy, Immune Dysfunction, and Diarrhea. Identifiers: Orphanet 37042, MedGen C0342288, MONDO:0010580, OMIM 304790. Disease mechanism: loss of function.

gnomAD v4.1: 5 of 1,181,845 alleles (0.00042%); highest among the groups gnomAD compares: East Asian, 0.003%; no homozygotes.

Submissions (2):

Fulgent Genetics
Classification: Uncertain significance for Insulin-dependent diabetes mellitus secretory diarrhea syndrome. Last evaluated: 2021-12-15. Review status: criteria provided, single submitter. Criteria: ACMG Guidelines, 2015. Collection method: clinical testing. Allele origin: unknown.

Labcorp Genetics (formerly Invitae), Labcorp
Classification: Uncertain significance for Insulin-dependent diabetes mellitus secretory diarrhea syndrome. Last evaluated: 2021-09-21. Review status: criteria provided, single submitter. Criteria: Invitae Variant Classification Sherloc (09022015). Collection method: clinical testing. Allele origin: germline.
Comment: This variant has not been reported in the literature in individuals affected with FOXP3-related conditions. This variant is not present in population databases (ExAC no frequency). This sequence change replaces alanine with threonine at codon 113 of the FOXP3 protein (p.Ala113Thr). The alanine residue is weakly conserved and there is a small physicochemical difference between alanine and threonine. Advanced modeling of protein sequence and biophysical properties (such as structural, functional, and spatial information, amino acid conservation, physicochemical variation, residue mobility, and thermodynamic stability) performed at Invitae indicates that this missense variant is not expected to disrupt FOXP3 protein function. In summary, the available evidence is currently insufficient to determine the role of this variant in disease. Therefore, it has been classified as a Variant of Uncertain Significance.